The following is an entry in ClinVar:

NM_003265.3(TLR3):c.66A>G (p.Ala22=)

Gene: TLR3 (toll like receptor 3; plus strand). Cytogenetic location: 4q35.1.
Variant type: single nucleotide variant.
Coding change: c.66A>G on transcript NM_003265.3 (MANE Select); coding-DNA position 66, A replaced by G.
Protein change: p.Ala22=; no amino-acid change (alanine 22 retained).
Molecular consequence: synonymous variant.
Genome position (GRCh38, 1-based): chr4:186,076,685, A>G. VCF-style: chr4-186076685-A-G. GRCh37 (hg19) VCF-style: chr4-186997839-A-G.
Identifiers: ClinVar variation 1087415 (VCV001087415.11), dbSNP rs146166844, ClinGen allele CA3161156.

ClinVar aggregate classification (germline): Likely benign. Review status: criteria provided, multiple submitters, no conflicts (2 of 4 stars). 2 submissions from 2 submitters: Likely benign (2). Last evaluated 2026-04-01.

Conditions:
Encephalopathy, acute, infection-induced (herpes-specific), susceptibility to, 1. Also called: Herpes simplex encephalitis, susceptibility to, 1. Identifiers: Orphanet 1930, MedGen C2750180, MONDO:0024563, OMIM 610551.

Allele frequency attached by ClinVar (database versions not stated): gnomAD exomes 0.00007 and 0.00020; ExAC 0.00025; 1000 Genomes Project 0.00060; ESP Exome Variant Server 0.00077; TOPMed 0.00083; gnomAD 0.00059 and 0.00060; 1000 Genomes Project 30x 0.00062.
gnomAD v4.1: 205 of 1,614,160 alleles (0.013%); highest among the groups gnomAD compares: African/African-American, 0.22%; no homozygotes.

Submissions (2):

CeGaT Center for Human Genetics Tuebingen
Classification: Likely benign. Last evaluated: 2026-04-01. Review status: criteria provided, single submitter. Criteria: CeGaT Center For Human Genetics Tuebingen Variant Classification Criteria Version 2. Collection method: clinical testing. Allele origin: germline. Affected: yes. Observed: 1 variant allele.
Comment: TLR3: BP4, BP7

Labcorp Genetics (formerly Invitae), Labcorp
Classification: Likely benign for Encephalopathy, acute, infection-induced (herpes-specific), susceptibility to, 1. Last evaluated: 2026-01-26. Review status: criteria provided, single submitter. Criteria: Invitae Variant Classification Sherloc (09022015). Collection method: clinical testing. Allele origin: germline.